The following is an entry in ClinVar:

NM_014314.4(RIGI):c.2699G>C (p.Gly900Ala)

Gene: RIGI (RNA sensor RIG-I; minus strand). Cytogenetic location: 9p21.1.
Variant type: single nucleotide variant.
Coding change: c.2699G>C on transcript NM_014314.4 (MANE Select); coding-DNA position 2699, G replaced by C.
Protein change: p.Gly900Ala; replaces glycine 900 with alanine.
Molecular consequence: missense variant.
Genome position (GRCh38, 1-based): chr9:32,457,201, C>G on the plus strand (G>C on the coding strand, the complement: RIGI is on the minus strand). VCF-style: chr9-32457201-C-G. GRCh37 (hg19) VCF-style: chr9-32457199-C-G.
Other names: c.2693G>C, p.Gly898Ala (NM_001385907.1); c.2528G>C, p.Gly843Ala (NM_001385909.1); c.2258G>C, p.Gly753Ala (NM_001385910.1); c.2090G>C, p.Gly697Ala (NM_001385912.1); c.2684G>C, p.Gly895Ala (NM_001385913.1); c.2255G>C, p.Gly752Ala (NM_001385914.1); short protein forms G752A, G895A, G900A, G697A, G843A, G898A, G753A.
Identifiers: ClinVar variation 3704709 (VCV003704709.2).

ClinVar aggregate classification (germline): Uncertain significance (1 of 4 stars; one submission).

gnomAD v4.1: 1 of 1,613,928 alleles (0.000062%); highest among the groups gnomAD compares: Non-Finnish European, 0.000085%; no homozygotes.

Submission:

Labcorp Genetics (formerly Invitae), Labcorp
Classification: Uncertain significance. Last evaluated: 2024-12-24. Review status: criteria provided, single submitter. Criteria: Invitae Variant Classification Sherloc (09022015). Collection method: clinical testing. Allele origin: germline.
Comment: This sequence change replaces glycine, which is neutral and non-polar, with alanine, which is neutral and non-polar, at codon 900 of the DDX58 protein (p.Gly900Ala). This variant is not present in population databases (gnomAD no frequency). This variant has not been reported in the literature in individuals affected with DDX58-related conditions. Invitae Evidence Modeling of protein sequence and biophysical properties (such as structural, functional, and spatial information, amino acid conservation, physicochemical variation, residue mobility, and thermodynamic stability) indicates that this missense variant is not expected to disrupt DDX58 protein function with a negative predictive value of 80%. In summary, the available evidence is currently insufficient to determine the role of this variant in disease. Therefore, it has been classified as a Variant of Uncertain Significance.